The following is an entry in ClinVar:

NM_000222.3(KIT):c.2212A>C (p.Lys738Gln)

Gene: KIT (KIT proto-oncogene, receptor tyrosine kinase; plus strand). Cytogenetic location: 4q12.
Variant type: single nucleotide variant.
Coding change: c.2212A>C on transcript NM_000222.3 (MANE Select); coding-DNA position 2212, A replaced by C.
Protein change: p.Lys738Gln; replaces lysine 738 with glutamine.
Molecular consequence: missense variant.
Genome position (GRCh38, 1-based): chr4:54,731,398, A>C. VCF-style: chr4-54731398-A-C. GRCh37 (hg19) VCF-style: chr4-55597564-A-C.
Other names: c.2203A>C, p.Lys735Gln (NM_001385288.1); c.2212A>C, p.Lys738Gln (NM_001385290.1); c.2200A>C, p.Lys734Gln (NM_001385292.1, NM_001093772.2); c.2215A>C, p.Lys739Gln (NM_001385284.1); c.2209A>C, p.Lys737Gln (NM_001385285.1); c.2197A>C, p.Lys733Gln (NM_001385286.1); short protein forms K733Q, K734Q, K735Q, K737Q, K738Q, K739Q.
Identifiers: ClinVar variation 1720386 (VCV001720386.6), dbSNP rs2475562165, ClinGen allele CA356910753.
Genomic context (GRCh38, chr4:54,731,398, plus strand): 5'-ACTAATGAGTACATGGACATGAAACCTGGAGTTTCTTATGTTGTCCCAACCAAGGCCGAC[A>C]AAAGGAGATCTGTGAGAATAGGTGAGTACCTACCTATCAAGCAACCAAGAGTAACTTTAC-3'
Protein context (NP_000213.1, residues 728-748): VSYVVPTKAD[Lys738Gln]RRSVRIGSYI

ClinVar aggregate classification (germline): Uncertain significance (1 of 4 stars; one submission).

Conditions:
Gastrointestinal stromal tumor. Also called: Gastrointestinal stroma tumor; Gastrointestinal stromal tumor, somatic. Identifiers: Orphanet 44890, MedGen C0238198, MeSH D046152, MONDO:0011719, OMIM 606764, HP:0100723.

Submission:

Labcorp Genetics (formerly Invitae), Labcorp
Classification: Uncertain significance for Gastrointestinal stromal tumor. Last evaluated: 2022-09-26. Review status: criteria provided, single submitter. Criteria: Invitae Variant Classification Sherloc (09022015). Collection method: clinical testing. Allele origin: germline.
Comment: In summary, the available evidence is currently insufficient to determine the role of this variant in disease. Therefore, it has been classified as a Variant of Uncertain Significance. Algorithms developed to predict the effect of missense changes on protein structure and function are either unavailable or do not agree on the potential impact of this missense change (SIFT: "Deleterious"; PolyPhen-2: "Probably Damaging"; Align-GVGD: "Class C0"). This variant has not been reported in the literature in individuals affected with KIT-related conditions. This variant is not present in population databases (gnomAD no frequency). This sequence change replaces lysine, which is basic and polar, with glutamine, which is neutral and polar, at codon 738 of the KIT protein (p.Lys738Gln).